The following is an entry in ClinVar:

NM_000051.4(ATM):c.8072G>C (p.Arg2691Pro)

Genes: ATM (ATM serine/threonine kinase; plus strand), C11orf65 (chromosome 11 open reading frame 65; minus strand). Cytogenetic location: 11q22.3.
Variant type: single nucleotide variant.
Coding change: c.8072G>C on transcript NM_000051.4 (MANE Select); coding-DNA position 8072, G replaced by C.
Protein change: p.Arg2691Pro; replaces arginine 2691 with proline.
Molecular consequence: missense variant. On other transcripts: intron variant (2).
Genome position (GRCh38, 1-based): chr11:108,335,030, G>C. VCF-style: chr11-108335030-G-C. GRCh37 (hg19) VCF-style: chr11-108205757-G-C.
Other names: c.8072G>C, p.Arg2691Pro (NM_001351834.2); c.641-25959C>G (NM_001330368.2); c.*38+190C>G (NM_001351110.2); short protein forms R2691P.
Identifiers: ClinVar variation 236783 (VCV000236783.11), dbSNP rs876658385, ClinGen allele CA10582859.

ClinVar aggregate classification (germline): Uncertain significance. Review status: criteria provided, multiple submitters, no conflicts (2 of 4 stars). 2 submissions from 2 submitters: Uncertain significance (2). Last evaluated 2022-11-08.

Conditions:
Hereditary cancer-predisposing syndrome. Also called: Neoplastic Syndromes, Hereditary; Hereditary neoplastic syndrome; Tumor predisposition; Hereditary Cancer Syndrome. Identifiers: Orphanet 140162, MedGen C0027672, MeSH D009386, MONDO:0015356.
Ataxia-telangiectasia syndrome (AT). Also called: Ataxia telangiectasia (A-T); Cerebello-oculocutaneous telangiectasia; Immunodeficiency with ataxia telangiectasia; LOUIS-BAR SYNDROME; AT, COMPLEMENTATION GROUP C; ATAXIA-TELANGIECTASIA, FRESNO VARIANT. Identifiers: Orphanet 100, MedGen C0004135, MONDO:0008840, OMIM 208900.

Submissions (2):

Labcorp Genetics (formerly Invitae), Labcorp
Classification: Uncertain significance for Ataxia-telangiectasia syndrome. Last evaluated: 2022-11-08. Review status: criteria provided, single submitter. Criteria: Invitae Variant Classification Sherloc (09022015). Collection method: clinical testing. Allele origin: germline.
Comment: In summary, the available evidence is currently insufficient to determine the role of this variant in disease. Therefore, it has been classified as a Variant of Uncertain Significance. Algorithms developed to predict the effect of missense changes on protein structure and function are either unavailable or do not agree on the potential impact of this missense change (SIFT: "Tolerated"; PolyPhen-2: "Possibly Damaging"; Align-GVGD: "Class C0"). ClinVar contains an entry for this variant (Variation ID: 236783). This variant has not been reported in the literature in individuals affected with ATM-related conditions. This variant is not present in population databases (gnomAD no frequency). This sequence change replaces arginine, which is basic and polar, with proline, which is neutral and non-polar, at codon 2691 of the ATM protein (p.Arg2691Pro).

Ambry Genetics
Classification: Uncertain significance for Hereditary cancer-predisposing syndrome. Last evaluated: 2022-06-02. Review status: criteria provided, single submitter. Criteria: Ambry Variant Classification Scheme 2023. Collection method: clinical testing. Allele origin: germline.
Comment: The p.R2691P variant (also known as c.8072G>C), located in coding exon 54 of the ATM gene, results from a G to C substitution at nucleotide position 8072. The arginine at codon 2691 is replaced by proline, an amino acid with dissimilar properties. This amino acid position is conserved. In addition, this alteration is predicted to be deleterious by in silico analysis. Since supporting evidence is limited at this time, the clinical significance of this alteration remains unclear.